The following is an entry in ClinVar:

NM_015046.7(SETX):c.7585A>G (p.Arg2529Gly)

Gene: SETX (senataxin; minus strand). Cytogenetic location: 9q34.13.
Variant type: single nucleotide variant.
Coding change: c.7585A>G on transcript NM_015046.7 (MANE Select); coding-DNA position 7585, A replaced by G.
Protein change: p.Arg2529Gly; replaces arginine 2529 with glycine.
Molecular consequence: missense variant.
Genome position (GRCh38, 1-based): chr9:132,264,688, T>C on the plus strand (A>G on the coding strand, the complement: SETX is on the minus strand). VCF-style: chr9-132264688-T-C. GRCh37 (hg19) VCF-style: chr9-135140075-T-C.
Other names: c.7585A>G, p.Arg2529Gly (NM_001351527.2); c.7672A>G, p.Arg2558Gly (NM_001351528.2); short protein forms R2529G, R2558G.
Identifiers: ClinVar variation 2094300 (VCV002094300.4), dbSNP rs2538821241, ClinGen allele CA375324556.

ClinVar aggregate classification (germline): Uncertain significance (1 of 4 stars; one submission).

Conditions:
Amyotrophic lateral sclerosis type 4 (ALS4). Also called: AMYOTROPHIC LATERAL SCLEROSIS 4, JUVENILE; NEURONOPATHY, DISTAL HEREDITARY MOTOR, WITH PYRAMIDAL FEATURES. Identifiers: Orphanet 357043, MedGen C1865409, MONDO:0011223, OMIM 602433.
Spinocerebellar ataxia, autosomal recessive, with axonal neuropathy 2 (SCAN2). Also called: Ataxia-ocular apraxia-2; ATAXIA-OCULOMOTOR APRAXIA 2; Ataxia with Oculomotor Apraxia; Ataxia with Oculomotor Apraxia Type 2. Identifiers: Orphanet 64753, MedGen C1853761, MONDO:0018996, OMIM 606002.

Submission:

Labcorp Genetics (formerly Invitae), Labcorp
Classification: Uncertain significance for Amyotrophic lateral sclerosis type 4; Spinocerebellar ataxia, autosomal recessive, with axonal neuropathy 2. Last evaluated: 2023-06-26. Review status: criteria provided, single submitter. Criteria: Invitae Variant Classification Sherloc (09022015). Collection method: clinical testing. Allele origin: germline.
Comment: This variant is not present in population databases (gnomAD no frequency). This variant has not been reported in the literature in individuals affected with SETX-related conditions. ClinVar contains an entry for this variant (Variation ID: 2094300). Advanced modeling of protein sequence and biophysical properties (such as structural, functional, and spatial information, amino acid conservation, physicochemical variation, residue mobility, and thermodynamic stability) performed at Invitae indicates that this missense variant is not expected to disrupt SETX protein function. In summary, the available evidence is currently insufficient to determine the role of this variant in disease. Therefore, it has been classified as a Variant of Uncertain Significance. This sequence change replaces arginine, which is basic and polar, with glycine, which is neutral and non-polar, at codon 2529 of the SETX protein (p.Arg2529Gly).